The following is an entry in ClinVar:

ClinVar aggregate classification (germline): Uncertain significance (1 of 4 stars; one submission).

Conditions:
Aortic aneurysm, familial thoracic 7 (AAT7). Also called: AORTIC DISSECTION, FAMILIAL, WITH OR WITHOUT AORTIC ANEURYSM. Identifiers: MedGen C3151077, MONDO:0013418, OMIM 613780.

Allele frequency attached by ClinVar (database versions not stated): ExAC 0.00001; gnomAD 0.00001; TOPMed 0.00001.
gnomAD v4.1: 16 of 1,614,008 alleles (0.00099%); highest among the groups gnomAD compares: Non-Finnish European, 0.0014%; no homozygotes.

Submission:

Labcorp Genetics (formerly Invitae), Labcorp
Classification: Uncertain significance for Aortic aneurysm, familial thoracic 7. Last evaluated: 2024-12-17. Review status: criteria provided, single submitter. Criteria: Invitae Variant Classification Sherloc (09022015). Collection method: clinical testing. Allele origin: germline.
Comment: This sequence change replaces phenylalanine, which is neutral and non-polar, with valine, which is neutral and non-polar, at codon 1389 of the MYLK protein (p.Phe1389Val). This variant is present in population databases (rs765421400, gnomAD 0.002%). This missense change has been observed in individual(s) with clinical features of Marfan syndrome (PMID: 25944730). ClinVar contains an entry for this variant (Variation ID: 1024620). Invitae Evidence Modeling of protein sequence and biophysical properties (such as structural, functional, and spatial information, amino acid conservation, physicochemical variation, residue mobility, and thermodynamic stability) indicates that this missense variant is not expected to disrupt MYLK protein function with a negative predictive value of 80%. In summary, the available evidence is currently insufficient to determine the role of this variant in disease. Therefore, it has been classified as a Variant of Uncertain Significance.

Literature cited by the submitters: PubMed 25944730.

NM_053025.4(MYLK):c.4165T>G (p.Phe1389Val)

Gene: MYLK (myosin light chain kinase; minus strand). Cytogenetic location: 3q21.1.
Variant type: single nucleotide variant.
Coding change: c.4165T>G on transcript NM_053025.4 (MANE Select); coding-DNA position 4165, T replaced by G.
Protein change: p.Phe1389Val; replaces phenylalanine 1389 with valine.
Molecular consequence: missense variant.
Genome position (GRCh38, 1-based): chr3:123,657,249, A>C on the plus strand (T>G on the coding strand, the complement: MYLK is on the minus strand). VCF-style: chr3-123657249-A-C. GRCh37 (hg19) VCF-style: chr3-123376096-A-C.
Other names: c.3637T>G, p.Phe1213Val (NM_001321309.2); c.3958T>G, p.Phe1320Val (NM_053026.4, NM_053028.4); c.4165T>G, p.Phe1389Val (NM_053027.4); short protein forms F1213V, F1320V, F1389V.
Identifiers: ClinVar variation 1024620 (VCV001024620.7), dbSNP rs765421400, ClinGen allele CA071015.